The following is an entry in ClinVar:

NM_022916.6(VPS33A):c.1729G>A (p.Ala577Thr)

Gene: VPS33A (VPS33A core subunit of CORVET and HOPS complexes; minus strand). Cytogenetic location: 12q24.31.
Variant type: single nucleotide variant.
Coding change: c.1729G>A on transcript NM_022916.6 (MANE Select); coding-DNA position 1729, G replaced by A.
Protein change: p.Ala577Thr; replaces alanine 577 with threonine.
Molecular consequence: missense variant.
Genome position (GRCh38, 1-based): chr12:122,232,308, C>T on the plus strand (G>A on the coding strand, the complement: VPS33A is on the minus strand). VCF-style: chr12-122232308-C-T. GRCh37 (hg19) VCF-style: chr12-122716855-C-T.
Other names: c.1696G>A, p.Ala566Thr (NM_001351018.2); c.1681G>A, p.Ala561Thr (NM_001351019.2); c.1408G>A, p.Ala470Thr (NM_001351020.2); short protein forms A470T, A561T, A566T, A577T.
Identifiers: ClinVar variation 1495431 (VCV001495431.8), dbSNP rs2136119613, ClinGen allele CA387048493.
Genomic context (GRCh38, chr12:122,232,308, plus strand): 5'-AGAAAGGTTTTTCCATCAGAGCCTCTATCCAACTGGTTCCATTCATTAGTTTAGTGGTGG[C>T]AATGACATATTCTGTACCTCCATCTTCCAACTGGGAGAGAAATCGCAGGGCAGCAATTTC-3'
Protein context (NP_075067.2, residues 567-587): LEDGGTEYVI[Ala577Thr]TTKLMNGTSW

ClinVar aggregate classification (germline): Uncertain significance (1 of 4 stars; one submission).

Submission:

Labcorp Genetics (formerly Invitae), Labcorp
Classification: Uncertain significance. Last evaluated: 2021-06-21. Review status: criteria provided, single submitter. Criteria: Invitae Variant Classification Sherloc (09022015). Collection method: clinical testing. Allele origin: germline.
Comment: This sequence change replaces alanine with threonine at codon 577 of the VPS33A protein (p.Ala577Thr). The alanine residue is moderately conserved and there is a small physicochemical difference between alanine and threonine. This variant is not present in population databases (ExAC no frequency). This variant has not been reported in the literature in individuals with VPS33A-related conditions. Algorithms developed to predict the effect of missense changes on protein structure and function are either unavailable or do not agree on the potential impact of this missense change (SIFT: "Tolerated"; PolyPhen-2: "Probably Damaging"; Align-GVGD: "Class C0"). In summary, the available evidence is currently insufficient to determine the role of this variant in disease. Therefore, it has been classified as a Variant of Uncertain Significance.